The following is an entry in ClinVar:

ClinVar aggregate classification (germline): Conflicting classifications of pathogenicity. Review status: criteria provided, conflicting classifications (1 of 4 stars). 12 submissions from 12 submitters: Uncertain significance (7); Likely benign (2). 3 of the submissions do not count toward it. Last evaluated 2026-08-24.

Conditions:
MYBPC3-related disorder. Also called: MYBPC3-related disorders; MYBPC3-related condition; MYBPC3-related disease.
Cardiovascular phenotype. Identifiers: MedGen CN230736.
Hypertrophic cardiomyopathy 4. Also called: Familial hypertrophic cardiomyopathy 4. Identifiers: MedGen C1861862, MONDO:0007268, OMIM 115197.
Left ventricular noncompaction 10 (LVNC10). Identifiers: Orphanet 154, Orphanet 54260, MedGen C3715165, MONDO:0014163, OMIM 615396.
Cardiomyopathy (CMYO). Also called: Cardiomyopathies. Identifiers: Orphanet 167848, MedGen C0878544, MONDO:0004994, HP:0001638. Inheritance: Various modes of inheritance.
Hypertrophic cardiomyopathy. Also called: HYPERTROPHIC MYOCARDIOPATHY. Identifiers: Orphanet 217569, MedGen C0007194, MeSH D002312, MONDO:0005045, HP:0001639.

Allele frequency attached by ClinVar (database versions not stated): gnomAD 0.00003 and 0.00004; gnomAD exomes 0.00003 and 0.00005; TOPMed 0.00005; ExAC 0.00007; ESP Exome Variant Server 0.00008.

Submissions (12):

GeneDx
Classification: Uncertain significance. Last evaluated: 2026-08-24. Review status: criteria provided, single submitter. Criteria: GeneDx Variant Classification Process June 2021. Collection method: clinical testing. Allele origin: germline.
Comment: In silico analysis suggests that this missense variant does not alter protein structure/function; This variant is associated with the following publications: (PMID: 28166811, 21310275, 32841044, 20800588)

Labcorp Genetics (formerly Invitae), Labcorp
Classification: Uncertain significance for Hypertrophic cardiomyopathy. Last evaluated: 2025-10-28. Review status: criteria provided, single submitter. Criteria: Invitae Variant Classification Sherloc (09022015). Collection method: clinical testing. Allele origin: germline.
Comment: This sequence change replaces arginine, which is basic and polar, with glutamine, which is neutral and polar, at codon 281 of the MYBPC3 protein (p.Arg281Gln). The frequency data for this variant in the population databases is considered unreliable, as metrics indicate poor data quality at this position in the gnomAD database. This missense change has been observed in individual(s) with hypertrophic cardiomyopathy (PMID: 20800588, 30685992). ClinVar contains an entry for this variant (Variation ID: 525001). An algorithm developed to predict the effect of missense changes on protein structure and function (PolyPhen-2) suggests that this variant is likely to be tolerated. In summary, the available evidence is currently insufficient to determine the role of this variant in disease. Therefore, it has been classified as a Variant of Uncertain Significance.

Ambry Genetics
Classification: Uncertain significance for Cardiovascular phenotype. Last evaluated: 2025-06-30. Review status: criteria provided, single submitter. Criteria: Ambry Variant Classification Scheme 2023. Collection method: clinical testing. Allele origin: germline.
Comment: The p.R281Q variant (also known as c.842G>A), located in coding exon 8 of the MYBPC3 gene, results from a G to A substitution at nucleotide position 842. The arginine at codon 281 is replaced by glutamine, an amino acid with highly similar properties. This variant was identified in hypertrophic cardiomyopathy cohorts; however, details were not provided (Millat G et al. Clin. Chim. Acta, 2010 Dec;411:1983-91; Nagyova E et al. Bratisl Lek Listy, 2019;120:46-51). This amino acid position is highly conserved in available vertebrate species. In addition, this alteration is predicted to be tolerated by in silico analysis. Based on available evidence to date, the clinical significance of this alteration remains unclear.

All of Us Research Program, National Institutes of Health
Classification: Uncertain significance for Hypertrophic cardiomyopathy. Last evaluated: 2024-09-17. Review status: criteria provided, single submitter. Criteria: ACMG Guidelines, 2015. Collection method: clinical testing. Allele origin: germline. Inheritance: Autosomal dominant inheritance. Observed: 14 variant alleles, 14 heterozygotes.
Comment: This missense variant replaces arginine with glutamine at codon 281 of the MYBPC3 protein. Computational prediction suggests that this variant may not impact protein structure and function (internally defined REVEL score threshold <= 0.5, PMID: 27666373). To our knowledge, functional studies have not been reported for this variant. This variant has been reported in two individuals affected with hypertrophic cardiomyopathy (PMID: 20800588, 30685992). This variant has been identified in 11/217880 chromosomes in the general population by the Genome Aggregation Database (gnomAD). The available evidence is insufficient to determine the role of this variant in disease conclusively. Therefore, this variant is classified as a Variant of Uncertain Significance.

This study involves interpretation of variants in research participants for the purpose of population health screening. Participant phenotype was not available at the time of variant classification. Additional details can be found in publication PMID: 35346344, PMCID: PMC8962531

Color Diagnostics, LLC DBA Color Health
Classification: Uncertain significance for Cardiomyopathy. Last evaluated: 2024-02-20. Review status: criteria provided, single submitter. Criteria: ACMG Guidelines, 2015. Collection method: clinical testing. Allele origin: germline.
Comment: This missense variant replaces arginine with glutamine at codon 281 of the MYBPC3 protein. Computational prediction tools indicate that this variant has a neutral impact on protein structure and function. To our knowledge, functional studies have not been reported for this variant. This variant has been reported in two individuals affected with hypertrophic cardiomyopathy (PMID: 20800588, 30685992). This variant has been identified in 11/217880 chromosomes in the general population by the Genome Aggregation Database (gnomAD). The available evidence is insufficient to determine the role of this variant in disease conclusively. Therefore, this variant is classified as a Variant of Uncertain Significance.

Blueprint Genetics
Classification: Likely benign. Last evaluated: 2022-12-07. Review status: criteria provided, single submitter. Criteria: ACMG Guidelines, 2015. Collection method: clinical testing. Allele origin: germline.

CeGaT Center for Human Genetics Tuebingen
Classification: Uncertain significance. Last evaluated: 2022-01-01. Review status: criteria provided, single submitter. Criteria: CeGaT Center For Human Genetics Tuebingen Variant Classification Criteria Version 2. Collection method: clinical testing. Allele origin: germline. Affected: yes. Observed: 1 variant allele.

Fulgent Genetics
Classification: Uncertain significance for Hypertrophic cardiomyopathy 4; Left ventricular noncompaction 10. Last evaluated: 2018-10-31. Review status: criteria provided, single submitter. Criteria: ACMG Guidelines, 2015. Collection method: clinical testing. Allele origin: unknown.

Genetics and Genomics Program, Sidra Medicine
Classification: Likely benign for Hypertrophic cardiomyopathy. Review status: criteria provided, single submitter. Criteria: ACMG Guidelines, 2015. Collection method: research. Allele origin: unknown. Affected: yes. Observed: 1 variant allele.

PreventionGenetics, part of Exact Sciences
Classification: Uncertain significance for MYBPC3-related condition. Last evaluated: 2024-06-21. Review status: no assertion criteria provided. Collection method: clinical testing. Allele origin: germline. Not counted in ClinVar's aggregate classification.
Comment: The MYBPC3 c.842G>A variant is predicted to result in the amino acid substitution p.Arg281Gln. This variant has been reported in individuals with hypertrophic cardiomyopathy (Millat et al. 2010. PubMed ID: 20800588; Nagyova et al. 2019. PubMed ID: 30685992). In one report, a computational assessment interpreted the c.842G>A variant as likely benign (Table S1, Jordan et al. 2011. PubMed ID: 21310275). This variant is reported in 0.0095% of alleles in individuals of European (Non-Finnish) descent in gnomAD. At this time, the clinical significance of this variant is uncertain due to the absence of conclusive functional and genetic evidence.

Clinical Genetics, Academic Medical Center
Classification: Uncertain significance. Review status: no assertion criteria provided. Collection method: clinical testing. Allele origin: germline. Affected: yes. Study: VKGL Data-share Consensus. Not counted in ClinVar's aggregate classification.

Joint Genome Diagnostic Labs from Nijmegen and Maastricht, Radboudumc and MUMC+
Classification: Uncertain significance. Review status: no assertion criteria provided. Collection method: clinical testing. Allele origin: germline. Affected: yes. Study: VKGL Data-share Consensus. Not counted in ClinVar's aggregate classification.

Literature cited by the submitters: PubMed 20800588 (cited by 4 submitters); PubMed 30685992 (cited by 4 submitters); PubMed 21310275 (cited by Ambry Genetics); PubMed 32841044 (cited by Ambry Genetics).

NM_000256.3(MYBPC3):c.842G>A (p.Arg281Gln)

Gene: MYBPC3 (myosin binding protein C3; minus strand). Cytogenetic location: 11p11.2.
Variant type: single nucleotide variant.
Coding change: c.842G>A on transcript NM_000256.3 (MANE Select); coding-DNA position 842, G replaced by A.
Protein change: p.Arg281Gln; replaces arginine 281 with glutamine.
Molecular consequence: missense variant.
Genome position (GRCh38, 1-based): chr11:47,347,660, C>T on the plus strand (G>A on the coding strand, the complement: MYBPC3 is on the minus strand). VCF-style: chr11-47347660-C-T. GRCh37 (hg19) VCF-style: chr11-47369211-C-T.
Other names: c.842G>A, p.Arg281Gln (LRG_386t1); short protein forms R281Q.
Identifiers: ClinVar variation 525001 (VCV000525001.63), dbSNP rs11570060, ClinGen allele CA057054.